The following is an entry in ClinVar:

ClinVar aggregate classification (germline): Conflicting classifications of pathogenicity. Review status: criteria provided, conflicting classifications (1 of 4 stars). 7 submissions from 7 submitters: Uncertain significance (1); Likely benign (3). 3 of the submissions do not count toward it. Last evaluated 2025-12-30.

Conditions:
VPS13A-related neurodegenerative disease. Also called: ACANTHOCYTOSIS WITH NEUROLOGIC DISORDER; Choreoacanthocytosis; Chorea-acanthocytosis; Choreaacanthocytosis; LEVINE-CRITCHLEY SYNDROME; VPS13A Disease. Identifiers: Orphanet 2388, MedGen C0393576, MONDO:0008695, OMIM 200150.

Allele frequency attached by ClinVar (database versions not stated): TOPMed 0.00024; gnomAD 0.00028 and 0.00029; gnomAD exomes 0.00030 and 0.00039; ExAC 0.00041; ESP Exome Variant Server 0.00062.
gnomAD v4.1: 600 of 1,603,474 alleles (0.037%); highest among the groups gnomAD compares: Non-Finnish European, 0.048%; no homozygotes.

Submissions (7):

Labcorp Genetics (formerly Invitae), Labcorp
Classification: Likely benign. Last evaluated: 2025-12-30. Review status: criteria provided, single submitter. Criteria: Invitae Variant Classification Sherloc (09022015). Collection method: clinical testing. Allele origin: germline.

Blueprint Genetics
Classification: Likely benign. Last evaluated: 2024-10-16. Review status: criteria provided, single submitter. Criteria: ACMG Guidelines, 2015. Collection method: clinical testing. Allele origin: germline.

CeGaT Center for Human Genetics Tuebingen
Classification: Likely benign. Last evaluated: 2023-06-01. Review status: criteria provided, single submitter. Criteria: CeGaT Center For Human Genetics Tuebingen Variant Classification Criteria Version 2. Collection method: clinical testing. Allele origin: germline. Affected: yes. Observed: 3 variant alleles.
Comment: VPS13A: BP4, BP7

Illumina Laboratory Services, Illumina
Classification: Uncertain significance for VPS13A-related neurodegenerative disease. Last evaluated: 2018-01-12. Review status: criteria provided, single submitter. Criteria: ICSL Variant Classification Criteria 13 December 2019. Collection method: clinical testing. Allele origin: germline.

Natera, Inc.
Classification: Likely benign for Choreaacanthocytosis. Last evaluated: 2020-09-16. Review status: no assertion criteria provided. Collection method: clinical testing. Allele origin: germline. Not counted in ClinVar's aggregate classification.

Clinical Genetics DNA and cytogenetics Diagnostics Lab, Erasmus MC, Erasmus Medical Center
Classification: Likely benign. Review status: no assertion criteria provided. Collection method: clinical testing. Allele origin: germline. Affected: yes. Study: VKGL Data-share Consensus. Not counted in ClinVar's aggregate classification.

Genome Diagnostics Laboratory, Amsterdam University Medical Center
Classification: Likely benign. Review status: no assertion criteria provided. Collection method: clinical testing. Allele origin: germline. Affected: yes. Study: VKGL Data-share Consensus. Not counted in ClinVar's aggregate classification.

NM_033305.3(VPS13A):c.1528C>T (p.Leu510=)

Gene: VPS13A (vacuolar protein sorting 13 homolog A; plus strand). Cytogenetic location: 9q21.2.
Variant type: single nucleotide variant.
Coding change: c.1528C>T on transcript NM_033305.3 (MANE Select); coding-DNA position 1528, C replaced by T.
Protein change: p.Leu510=; no amino-acid change (leucine 510 retained).
Molecular consequence: synonymous variant.
Genome position (GRCh38, 1-based): chr9:77,228,197, C>T. VCF-style: chr9-77228197-C-T. GRCh37 (hg19) VCF-style: chr9-79843113-C-T.
Other names: c.1528C>T, p.Leu510= (NM_001018037.2, NM_001018038.3, NM_015186.4).
Identifiers: ClinVar variation 696029 (VCV000696029.42), dbSNP rs147954757, ClinGen allele CA5091710.